The following is an entry in ClinVar:

ClinVar aggregate classification (germline): not provided (0 of 4 stars; one submission).

Conditions:
Gestational diabetes mellitus uncontrolled. Identifiers: MedGen C3532257.

Submission:

Institute of Molecular and Cell Biology, University of Tartu
No classification provided. Condition: Gestational diabetes mellitus uncontrolled. Review status: no classification provided. Collection method: case-control. Allele origin: unknown. Affected: yes. Study: Kasak2014.
Comment: The study aimed to determine the contribution of copy number variants in the genetic etiology of normal and complicated pregnancies. The samples represented (i) maternal blood DNA drawn from healthy pregnant women during 1st or 2nd trimester and (ii) maternal and paternal blood DNA drawn at term pregnancy cases representing normal and complicated gestations (severe preeclampsia, PE; gestational diabetes, GD; small-for-gestational age newborn, SGA; large-for-gestational age newborn, LGA). We performed CNV calling based on genome-wide genotyping dataset (Illumina HumanOmniExpress-24-v1 BeadChip) by applying three algorithms, QuantiSNP, GADA (Genome Alteration Detection Algorithm) and CNstream in parallel. The acquired CNV calls were merged with HD-CNV (Hotspot Detector for Copy Number Variants) program and only the CNVs predicted by at least two programs, were considered in subsequent analysis.

Literature cited by the submitters: PubMed 25666259.

NC_000006.12:g.31253262_31261195del

Variant type: Deletion.
Genome position: GRCh38: chr6:31,253,262-31,261,195. GRCh37 (hg19): chr6:31,221,039-31,228,972.
Identifiers: ClinVar variation 157005 (VCV000157005.3), ClinGen allele CA212140.